The following is an entry in ClinVar:

ClinVar aggregate classification (germline): Uncertain significance (1 of 4 stars; one submission).

Submission:

GeneDx
Classification: Uncertain significance. Last evaluated: 2024-08-09. Review status: criteria provided, single submitter. Criteria: GeneDx Variant Classification Process June 2021. Collection method: clinical testing. Allele origin: germline. Affected: yes.
Comment: Not observed at significant frequency in large population cohorts (gnomAD); Frameshift variant predicted to result in protein truncation or nonsense mediated decay in a gene or region of a gene for which loss of function is not a well-established mechanism of disease; Has not been previously published as pathogenic or benign to our knowledge

NM_001394062.1(MACF1):c.4216del (p.Arg1406fs)

Gene: MACF1 (microtubule actin crosslinking factor 1; plus strand). Cytogenetic location: 1p34.3.
Variant type: Deletion.
Coding change: c.4216del on transcript NM_001394062.1 (MANE Select); coding-DNA position 4216, one base deleted (C; older notation c.4216delC).
Protein change: p.Arg1406fs; shifts the reading frame from arginine 1406.
Molecular consequence: frameshift variant.
Genome position (GRCh38, 1-based): chr1:39,322,988, C deleted; the last of 2 consecutive C bases (chr1:39,322,987-39,322,988); deleting either gives the same sequence. VCF-style (leftmost placement, unchanged base first): chr1-39322986-TC-T. GRCh37 (hg19) VCF-style: chr1-39788658-TC-T.
Other names: c.4231del, p.Arg1411fs (NM_012090.5); short protein forms R1406fs, R1411fs.
Identifiers: ClinVar variation 3603163 (VCV003603163.1).